The following is an entry in ClinVar:

ClinVar aggregate classification (germline): Conflicting classifications of pathogenicity. Review status: criteria provided, conflicting classifications (1 of 4 stars). 4 submissions from 4 submitters: Uncertain significance (3); Likely benign (1). Last evaluated 2026-03-24.

Conditions:
TMEM107-related disorder. Also called: TMEM107-related condition.

Allele frequency attached by ClinVar (database versions not stated): 1000 Genomes Project 30x 0.00016.

Submissions (4):

PreventionGenetics, part of Exact Sciences
Classification: Uncertain significance for TMEM107-related condition. Last evaluated: 2026-03-24. Review status: criteria provided, single submitter. Criteria: ACMG Guidelines, 2015. Collection method: clinical testing. Allele origin: germline.
Comment: The TMEM107 c.*624T>G variant is located in the 3' untranslated region. To our knowledge, this variant has not been reported in the literature. This variant is reported in 0.28% of alleles in individuals of European (Finnish) descent in gnomAD. At this time, the clinical significance of this variant is uncertain due to the absence of conclusive functional and genetic evidence.

CeGaT Center for Human Genetics Tuebingen
Classification: Likely benign. Last evaluated: 2025-10-01. Review status: criteria provided, single submitter. Criteria: CeGaT Center For Human Genetics Tuebingen Variant Classification Criteria Version 2. Collection method: clinical testing. Allele origin: germline. Affected: yes. Observed: 2 variant alleles.
Comment: SNORD118: BS2

Labcorp Genetics (formerly Invitae), Labcorp
Classification: Uncertain significance. Last evaluated: 2024-10-23. Review status: criteria provided, single submitter. Criteria: Invitae Variant Classification Sherloc (09022015). Collection method: clinical testing. Allele origin: germline.
Comment: This variant occurs in the SNORD118 gene, which encodes an RNA molecule that does not result in a protein product. The frequency data for this variant in the population databases is considered unreliable, as metrics indicate poor data quality at this position in the gnomAD database. This variant has not been reported in the literature in individuals affected with SNORD118-related conditions. ClinVar contains an entry for this variant (Variation ID: 1509687). Experimental studies and prediction algorithms are not available or were not evaluated, and the functional significance of this variant is currently unknown. In summary, the available evidence is currently insufficient to determine the role of this variant in disease. Therefore, it has been classified as a Variant of Uncertain Significance.

Blueprint Genetics
Classification: Uncertain significance. Last evaluated: 2024-08-29. Review status: criteria provided, single submitter. Criteria: ACMG Guidelines, 2015. Collection method: clinical testing. Allele origin: germline.

NR_033294.2(SNORD118):n.10T>G

Genes: SNORD118 (small nucleolar RNA, C/D box 118; minus strand), TMEM107 (transmembrane protein 107; minus strand). Cytogenetic location: 17p13.1.
Variant type: single nucleotide variant.
Molecular consequence: non-coding transcript variant (on NR_033294.2). On other transcripts: 3 prime UTR variant (5).
Genome position: GRCh38 VCF-style: chr17-8173579-A-C. GRCh37 (hg19) VCF-style: chr17-8076897-A-C.
Other names: c.*624T>G (NM_001351278.2, NM_001351279.2, NM_001351280.2 and 3 more transcripts).
Identifiers: ClinVar variation 1509687 (VCV001509687.24), dbSNP rs201690858, ClinGen allele CA8370831.
Genomic context (GRCh38, chr17:8,173,579, plus strand): 5'-CATCTCCAATCATCATGTTCTAATCTGCCCTCCGGAGGAGGAACAGGTAAGGATTATCCC[A>C]CCTGACGATACAGACAAACAGCCGACATTCTGCACTCAGTGAAAAAGATTCCGTTACAAG-3'